The following is an entry in ClinVar:

NM_018671.5(UNC45A):c.2169G>A (p.Met723Ile)

Gene: UNC45A (unc-45 myosin chaperone A; plus strand). Cytogenetic location: 15q26.1.
Variant type: single nucleotide variant.
Coding change: c.2169G>A on transcript NM_018671.5 (MANE Select); coding-DNA position 2169, G replaced by A.
Protein change: p.Met723Ile; replaces methionine 723 with isoleucine.
Molecular consequence: missense variant.
Genome position (GRCh38, 1-based): chr15:90,950,249, G>A. VCF-style: chr15-90950249-G-A. GRCh37 (hg19) VCF-style: chr15-91493479-G-A.
Other names: c.2169G>A (NM_018671.4, NM_018671.3); c.2124G>A, p.Met708Ile (NM_001039675.2, NM_001323621.2); c.2169G>A, p.Met723Ile (NM_001323619.1); c.1734G>A, p.Met578Ile (NM_001323620.2); short protein forms M578I, M708I, M723I.
Identifiers: ClinVar variation 1480655 (VCV001480655.8), dbSNP rs760496158, ClinGen allele CA274751316.
Genomic context (GRCh38, chr15:90,950,249, plus strand): 5'-GGGGCAGACAAAGGCAGCCCAGGCCCTTGCCAAGCTCACCATCACCTCCAACCCGGAGAT[G>A]ACCTTCCCTGGCGAGCGGGTACGTGTCTTCCTGCCCCGGCCTTTCCACTCCCTCTGTCCC-3'
Protein context (NP_061141.2, residues 713-733): AKLTITSNPE[Met723Ile]TFPGERIYEV

ClinVar aggregate classification (germline): Uncertain significance. Review status: criteria provided, multiple submitters, no conflicts (2 of 4 stars). 2 submissions from 2 submitters: Uncertain significance (2). Last evaluated 2025-08-30.

Conditions:
Osteootohepatoenteric syndrome. Identifiers: MedGen C5543557, MONDO:0859164, OMIM 619377.
Inborn genetic diseases. Identifiers: MedGen C0950123, MeSH D030342.

gnomAD v4.1: 12 of 1,551,750 alleles (0.00077%); highest among the groups gnomAD compares: Non-Finnish European, 0.001%; no homozygotes.

Submissions (2):

Ambry Genetics
Classification: Uncertain significance for Inborn genetic diseases. Last evaluated: 2025-08-30. Review status: criteria provided, single submitter. Criteria: Ambry Variant Classification Scheme 2023. Collection method: clinical testing. Allele origin: germline.

Labcorp Genetics (formerly Invitae), Labcorp
Classification: Uncertain significance. Last evaluated: 2021-11-02. Review status: criteria provided, single submitter. Criteria: Invitae Variant Classification Sherloc (09022015). Collection method: clinical testing. Allele origin: germline.
Comment: In summary, the available evidence is currently insufficient to determine the role of this variant in disease. Therefore, it has been classified as a Variant of Uncertain Significance. This sequence change replaces methionine, which is neutral and non-polar, with isoleucine, which is neutral and non-polar, at codon 723 of the UNC45A protein (p.Met723Ile). This variant is not present in population databases (gnomAD no frequency). This variant has not been reported in the literature in individuals affected with UNC45A-related conditions. Algorithms developed to predict the effect of missense changes on protein structure and function output the following: SIFT: "Not Available"; PolyPhen-2: "Benign"; Align-GVGD: "Not Available". The isoleucine amino acid residue is found in multiple mammalian species, which suggests that this missense change does not adversely affect protein function.